The following is an entry in ClinVar:

ClinVar aggregate classification (germline): Uncertain significance (1 of 4 stars; one submission).

Conditions:
Ataxia-telangiectasia syndrome (AT). Also called: Ataxia-telangiectasia, complementation group D; LOUIS-BAR SYNDROME; ATAXIA-TELANGIECTASIA, COMPLEMENTATION GROUP A; ATAXIA-TELANGIECTASIA, FRESNO VARIANT; Ataxia telangiectasia (A-T); Cerebello-oculocutaneous telangiectasia. Identifiers: Orphanet 100, MedGen C0004135, MONDO:0008840, OMIM 208900.

Submission:

Labcorp Genetics (formerly Invitae), Labcorp
Classification: Uncertain significance for Ataxia-telangiectasia syndrome. Last evaluated: 2023-10-15. Review status: criteria provided, single submitter. Criteria: Invitae Variant Classification Sherloc (09022015). Collection method: clinical testing. Allele origin: germline.
Comment: This sequence change replaces phenylalanine, which is neutral and non-polar, with serine, which is neutral and polar, at codon 1381 of the ATM protein (p.Phe1381Ser). This variant is not present in population databases (gnomAD no frequency). This variant has not been reported in the literature in individuals affected with ATM-related conditions. An algorithm developed to predict the effect of missense changes on protein structure and function (PolyPhen-2) suggests that this variant is likely to be disruptive. In summary, the available evidence is currently insufficient to determine the role of this variant in disease. Therefore, it has been classified as a Variant of Uncertain Significance.

NM_000051.4(ATM):c.4142T>C (p.Phe1381Ser)

Gene: ATM (ATM serine/threonine kinase; plus strand). Cytogenetic location: 11q22.3.
Variant type: single nucleotide variant.
Coding change: c.4142T>C on transcript NM_000051.4 (MANE Select); coding-DNA position 4142, T replaced by C.
Protein change: p.Phe1381Ser; replaces phenylalanine 1381 with serine.
Molecular consequence: missense variant.
Genome position (GRCh38, 1-based): chr11:108,289,009, T>C. VCF-style: chr11-108289009-T-C. GRCh37 (hg19) VCF-style: chr11-108159736-T-C.
Other names: c.4142T>C, p.Phe1381Ser (NM_001351834.2); short protein forms F1381S.
Identifiers: ClinVar variation 2768592 (VCV002768592.3), dbSNP rs2546904088, ClinGen allele CA382529936.